The following is an entry in ClinVar:

ClinVar aggregate classification (germline): Uncertain significance. Review status: criteria provided, multiple submitters, no conflicts (2 of 4 stars). 2 submissions from 2 submitters: Uncertain significance (2). Last evaluated 2025-12-10.

Allele frequency attached by ClinVar (database versions not stated): gnomAD 0.00002 and 0.00003; TOPMed 0.00003; ExAC 0.00006; gnomAD exomes 0.00007.

Submissions (2):

Labcorp Genetics (formerly Invitae), Labcorp
Classification: Uncertain significance. Last evaluated: 2025-12-10. Review status: criteria provided, single submitter. Criteria: Invitae Variant Classification Sherloc (09022015). Collection method: clinical testing. Allele origin: germline.
Comment: This sequence change replaces arginine, which is basic and polar, with histidine, which is basic and polar, at codon 528 of the IL2RB protein (p.Arg528His). This variant is present in population databases (rs780914414, gnomAD 0.01%). This variant has not been reported in the literature in individuals affected with IL2RB-related conditions. ClinVar contains an entry for this variant (Variation ID: 1364121). An algorithm developed to predict the effect of missense changes on protein structure and function (PolyPhen-2) suggests that this variant is likely to be tolerated. In summary, the available evidence is currently insufficient to determine the role of this variant in disease. Therefore, it has been classified as a Variant of Uncertain Significance.

Ambry Genetics
Classification: Uncertain significance. Last evaluated: 2022-08-11. Review status: criteria provided, single submitter. Criteria: Ambry Variant Classification Scheme 2023. Collection method: clinical testing. Allele origin: germline.

NM_000878.5(IL2RB):c.1583G>A (p.Arg528His)

Gene: IL2RB (interleukin 2 receptor subunit beta; minus strand). Cytogenetic location: 22q12.3.
Variant type: single nucleotide variant.
Coding change: c.1583G>A on transcript NM_000878.5 (MANE Select); coding-DNA position 1583, G replaced by A.
Protein change: p.Arg528His; replaces arginine 528 with histidine.
Molecular consequence: missense variant.
Genome position (GRCh38, 1-based): chr22:37,128,169, C>T on the plus strand (G>A on the coding strand, the complement: IL2RB is on the minus strand). VCF-style: chr22-37128169-C-T. GRCh37 (hg19) VCF-style: chr22-37524209-C-T.
Other names: c.1583G>A, p.Arg528His (NM_001346222.1, NM_001346223.2); c.1583G>A (NM_000878.2); short protein forms R528H.
Identifiers: ClinVar variation 1364121 (VCV001364121.9), dbSNP rs780914414, ClinGen allele CA10216301.